The following is an entry in ClinVar:

NM_139027.6(ADAMTS13):c.3400+5G>A

Gene: ADAMTS13 (ADAM metallopeptidase with thrombospondin type 1 motif 13; plus strand). Cytogenetic location: 9q34.2.
Variant type: single nucleotide variant.
Coding change: c.3400+5G>A on transcript NM_139027.6 (MANE Select); 5 bases into the intron after coding-DNA position 3400, G replaced by A.
Molecular consequence: intron variant. On other transcripts: synonymous variant (1).
Genome position (GRCh38, 1-based): chr9:133,455,440, G>A. VCF-style: chr9-133455440-G-A. GRCh37 (hg19) VCF-style: chr9-136320562-G-A.
Other names: c.3405G>A, p.Thr1135= (NM_139025.5); c.3307+5G>A (NM_139026.6).
Identifiers: ClinVar variation 3257453 (VCV003257453.19).

ClinVar aggregate classification (germline): Likely benign. Review status: criteria provided, multiple submitters, no conflicts (2 of 4 stars). 2 submissions from 2 submitters: Likely benign (2). Last evaluated 2025-01-08.

gnomAD v4.1: 14 of 1,612,314 alleles (0.00087%); highest among the groups gnomAD compares: South Asian, 0.0055%; no homozygotes.

Submissions (2):

Labcorp Genetics (formerly Invitae), Labcorp
Classification: Likely benign. Last evaluated: 2025-01-08. Review status: criteria provided, single submitter. Criteria: Invitae Variant Classification Sherloc (09022015). Collection method: clinical testing. Allele origin: germline.

CeGaT Center for Human Genetics Tuebingen
Classification: Likely benign. Last evaluated: 2024-07-01. Review status: criteria provided, single submitter. Criteria: CeGaT Center For Human Genetics Tuebingen Variant Classification Criteria Version 2. Collection method: clinical testing. Allele origin: germline. Affected: yes. Observed: 1 variant allele.
Comment: ADAMTS13: BP4, BP7